The following is an entry in ClinVar:

NM_002303.6(LEPR):c.2698A>G (p.Ile900Val)

Gene: LEPR (leptin receptor; plus strand). Cytogenetic location: 1p31.3.
Variant type: single nucleotide variant.
Coding change: c.2698A>G on transcript NM_002303.6 (MANE Select); coding-DNA position 2698, A replaced by G.
Protein change: p.Ile900Val; replaces isoleucine 900 with valine.
Molecular consequence: missense variant.
Genome position (GRCh38, 1-based): chr1:65,636,215, A>G. VCF-style: chr1-65636215-A-G. GRCh37 (hg19) VCF-style: chr1-66101898-A-G.
Other names: short protein forms I900V.
Identifiers: ClinVar variation 297997 (VCV000297997.14), dbSNP rs142647085, ClinGen allele CA895150.

ClinVar aggregate classification (germline): Conflicting classifications of pathogenicity. Review status: criteria provided, conflicting classifications (1 of 4 stars). 4 submissions from 4 submitters: Uncertain significance (3); Benign (1). Last evaluated 2026-01-25.

Conditions:
Obesity due to leptin receptor gene deficiency. Identifiers: Orphanet 179494, MedGen C3554225, MONDO:0013992, OMIM 614963.
Monogenic diabetes. Identifiers: Orphanet 183625, MedGen C3888631, MONDO:0015967.
Early onset severe obesity. Identifiers: MedGen C4013980.

Allele frequency attached by ClinVar (database versions not stated): ESP Exome Variant Server 0.00008; gnomAD 0.00029; TOPMed 0.00029; 1000 Genomes Project 30x 0.00047; gnomAD exomes 0.00055 and 0.00101; 1000 Genomes Project 0.00060; ExAC 0.00087.
gnomAD v4.1: 885 of 1,613,902 alleles (0.055%); highest among the groups gnomAD compares: South Asian, 0.51%; 5 homozygotes.

Submissions (4):

Labcorp Genetics (formerly Invitae), Labcorp
Classification: Benign. Last evaluated: 2026-01-25. Review status: criteria provided, single submitter. Criteria: Invitae Variant Classification Sherloc (09022015). Collection method: clinical testing. Allele origin: germline.

Cambridge Genomics Laboratory, East Genomic Laboratory Hub, NHS Genomic Medicine Service
Classification: Uncertain significance for Severe early-onset obesity. Last evaluated: 2025-02-21. Review status: criteria provided, single submitter. Criteria: ACGS Best Practice Guidelines for Variant Classification in Rare Disease 2020. Collection method: clinical testing. Allele origin: germline. Affected: yes.
Comment: PS4_Moderate,PM2,BP4

Illumina Laboratory Services, Illumina
Classification: Uncertain significance for Obesity due to leptin receptor gene deficiency. Last evaluated: 2018-01-12. Review status: criteria provided, single submitter. Criteria: ICSL Variant Classification Criteria 13 December 2019. Collection method: clinical testing. Allele origin: germline.

Personalized Diabetes Medicine Program, University of Maryland School of Medicine
Classification: Uncertain significance for Monogenic diabetes. Last evaluated: 2016-03-01. Review status: criteria provided, single submitter. Criteria: ACMG Guidelines, 2015. Collection method: research. Allele origin: unknown. Observed: 1 variant allele, 1 heterozygote.
Comment: ACMG Criteria: PP3, BP4